The following is an entry in ClinVar:

ClinVar aggregate classification (germline): Uncertain significance. Review status: criteria provided, multiple submitters, no conflicts (2 of 4 stars). 3 submissions from 3 submitters: Uncertain significance (3). Last evaluated 2025-09-26.

Conditions:
ITGB3-related disorder. Also called: ITGB3-related condition.
Inborn genetic diseases. Identifiers: MedGen C0950123, MeSH D030342.

Allele frequency attached by ClinVar (database versions not stated): gnomAD exomes below 0.00001; gnomAD 0.00001; ExAC 0.00002; TOPMed 0.00002.

Submissions (3):

Ambry Genetics
Classification: Uncertain significance for Inborn genetic diseases. Last evaluated: 2025-09-26. Review status: criteria provided, single submitter. Criteria: Ambry Variant Classification Scheme 2023. Collection method: clinical testing. Allele origin: germline.

PreventionGenetics, part of Exact Sciences
Classification: Uncertain significance for ITGB3-related condition. Last evaluated: 2024-12-23. Review status: criteria provided, single submitter. Criteria: ACMG Guidelines, 2015. Collection method: clinical testing. Allele origin: germline.
Comment: The ITGB3 c.1190A>G variant is predicted to result in the amino acid substitution p.Asn397Ser. To our knowledge, this variant has not been reported in the literature. This variant is reported in 0.014% of alleles in individuals of Latino descent in gnomAD. At this time, the clinical significance of this variant is uncertain due to the absence of conclusive functional and genetic evidence.

Labcorp Genetics (formerly Invitae), Labcorp
Classification: Uncertain significance. Last evaluated: 2024-02-23. Review status: criteria provided, single submitter. Criteria: Invitae Variant Classification Sherloc (09022015). Collection method: clinical testing. Allele origin: germline.
Comment: This sequence change replaces asparagine, which is neutral and polar, with serine, which is neutral and polar, at codon 397 of the ITGB3 protein (p.Asn397Ser). This variant is present in population databases (rs757773635, gnomAD 0.01%). This variant has not been reported in the literature in individuals affected with ITGB3-related conditions. Advanced modeling of protein sequence and biophysical properties (such as structural, functional, and spatial information, amino acid conservation, physicochemical variation, residue mobility, and thermodynamic stability) performed at Invitae indicates that this missense variant is not expected to disrupt ITGB3 protein function with a negative predictive value of 80%. In summary, the available evidence is currently insufficient to determine the role of this variant in disease. Therefore, it has been classified as a Variant of Uncertain Significance.

NM_000212.3(ITGB3):c.1190A>G (p.Asn397Ser)

Gene: ITGB3 (integrin subunit beta 3; plus strand). Cytogenetic location: 17q21.32.
Variant type: single nucleotide variant.
Coding change: c.1190A>G on transcript NM_000212.3 (MANE Select); coding-DNA position 1190, A replaced by G.
Protein change: p.Asn397Ser; replaces asparagine 397 with serine.
Molecular consequence: missense variant.
Genome position (GRCh38, 1-based): chr17:47,291,018, A>G. VCF-style: chr17-47291018-A-G. GRCh37 (hg19) VCF-style: chr17-45368384-A-G.
Other names: short protein forms N397S.
Identifiers: ClinVar variation 2894133 (VCV002894133.5), dbSNP rs757773635, ClinGen allele CA8623185.